The following is an entry in ClinVar:

ClinVar aggregate classification (germline): Likely benign. Review status: criteria provided, multiple submitters, no conflicts (2 of 4 stars). 2 submissions from 2 submitters: Likely benign (2). Last evaluated 2021-06-05.

Conditions:
Combined malonic and methylmalonic acidemia. Identifiers: Orphanet 289504, MedGen C3280314, MONDO:0013661, OMIM 614265.

gnomAD v4.1: 7 of 1,605,598 alleles (0.00044%); highest among the groups gnomAD compares: Non-Finnish European, 0.00051%; no homozygotes.

Submissions (2):

Labcorp Genetics (formerly Invitae), Labcorp
Classification: Likely benign for Combined malonic and methylmalonic acidemia. Last evaluated: 2021-06-05. Review status: criteria provided, single submitter. Criteria: Invitae Variant Classification Sherloc (09022015). Collection method: clinical testing. Allele origin: germline.

GeneDx
Classification: Likely benign. Last evaluated: 2018-03-05. Review status: criteria provided, single submitter. Criteria: GeneDx Variant Classification (06012015). Collection method: clinical testing. Allele origin: germline. Affected: yes.
Comment: This variant is considered likely benign or benign based on one or more of the following criteria: it is a conservative change, it occurs at a poorly conserved position in the protein, it is predicted to be benign by multiple in silico algorithms, and/or has population frequency not consistent with disease.

NM_001243279.3(ACSF3):c.60G>T (p.Arg20=)

Gene: ACSF3 (acyl-CoA synthetase family member 3; plus strand). Cytogenetic location: 16q24.3.
Variant type: single nucleotide variant.
Coding change: c.60G>T on transcript NM_001243279.3 (MANE Select); coding-DNA position 60, G replaced by T.
Protein change: p.Arg20=; no amino-acid change (arginine 20 retained).
Molecular consequence: synonymous variant. On other transcripts: non-coding transcript variant (3), intron variant (1).
Genome position (GRCh38, 1-based): chr16:89,100,741, G>T. VCF-style: chr16-89100741-G-T. GRCh37 (hg19) VCF-style: chr16-89167149-G-T.
Other names: c.60G>T, p.Arg20= (NM_001127214.4, NM_174917.5); c.-129-1863G>T (NM_001284316.2).
Identifiers: ClinVar variation 515105 (VCV000515105.8), dbSNP rs1555560476, ClinGen allele CA497369936.